The following is an entry in ClinVar:

ClinVar aggregate classification (germline): Pathogenic/Likely pathogenic. Review status: criteria provided, multiple submitters, no conflicts (2 of 4 stars). 2 submissions from 2 submitters: Pathogenic (1); Likely pathogenic (1). Last evaluated 2024-01-25.

Conditions:
PRPF31-related disorder. Also called: PRPF31-related condition.

Submissions (2):

Labcorp Genetics (formerly Invitae), Labcorp
Classification: Pathogenic. Last evaluated: 2024-01-25. Review status: criteria provided, single submitter. Criteria: Invitae Variant Classification Sherloc (09022015). Collection method: clinical testing. Allele origin: germline.
Comment: This sequence change creates a premature translational stop signal (p.Met65Ilefs*16) in the PRPF31 gene. It is expected to result in an absent or disrupted protein product. Loss-of-function variants in PRPF31 are known to be pathogenic (PMID: 18317597, 23950152). This variant is not present in population databases (gnomAD no frequency). This variant has not been reported in the literature in individuals affected with PRPF31-related conditions. ClinVar contains an entry for this variant (Variation ID: 866121). For these reasons, this variant has been classified as Pathogenic.

Blueprint Genetics
Classification: Likely pathogenic for PRPF31-related disorders. Last evaluated: 2018-04-25. Review status: criteria provided, single submitter. Criteria: ACMG Guidelines, 2015. Collection method: clinical testing. Allele origin: germline. Affected: yes. Observed: 1 variant allele.

Literature cited by the submitters: PubMed 18317597 (cited by Labcorp Genetics (formerly Invitae), Labcorp); PubMed 23950152 (cited by Labcorp Genetics (formerly Invitae), Labcorp).

NM_015629.4(PRPF31):c.195del (p.Met65fs)

Gene: PRPF31 (pre-mRNA processing factor 31; plus strand). Cytogenetic location: 19q13.42.
Variant type: Deletion.
Coding change: c.195del on transcript NM_015629.4 (MANE Select); coding-DNA position 195, one base deleted (G; older notation c.195delG).
Protein change: p.Met65fs; shifts the reading frame from methionine 65.
Molecular consequence: frameshift variant.
Genome position (GRCh38, 1-based): chr19:54,118,590, G deleted. VCF-style (leftmost placement, unchanged base first): chr19-54118589-TG-T. GRCh37 (hg19) VCF-style: chr19-54621969-TG-T.
Other names: short protein forms M65fs.
Identifiers: ClinVar variation 866121 (VCV000866121.5), dbSNP rs2073709089, ClinGen allele CA916083730.